The following is an entry in ClinVar:

ClinVar aggregate classification (germline): Benign (3 of 4 stars; one submission).

Conditions:
Breast-ovarian cancer, familial, susceptibility to, 2 (BROVCA2). Also called: BRCA2 Hereditary Breast and Ovarian Cancer. Identifiers: Orphanet 145, MedGen C2675520, MONDO:0012933, OMIM 612555. Disease mechanism: loss of function.

Allele frequency attached by ClinVar (database versions not stated): 1000 Genomes Project 30x 0.97486; 1000 Genomes Project 0.97604; TOPMed 0.97865; gnomAD 0.97956 and 0.98087.
gnomAD v4.1: 149,423 of 152,310 alleles (98%); highest among the groups gnomAD compares: East Asian, 100%; 73,360 homozygotes.

Submission:

Evidence-based Network for the Interpretation of Germline Mutant Alleles (ENIGMA)
Classification: Benign for Breast-ovarian cancer, familial 2. Last evaluated: 2015-01-12. Review status: reviewed by expert panel. Criteria: ENIGMA BRCA1/2 Classification Criteria (2015). Collection method: curation. Allele origin: germline.
Comment: Class 1 not pathogenic based on frequency >1% in an outbred sampleset. Frequency 0.909 (African), derived from 1000 genomes (2012-04-30).

NM_000059.4(BRCA2):c.8632+774A>G

Gene: BRCA2 (BRCA2 DNA repair associated; plus strand). Cytogenetic location: 13q13.1.
Variant type: single nucleotide variant.
Coding change: c.8632+774A>G on transcript NM_000059.4 (MANE Select); 774 bases into the intron after coding-DNA position 8632, A replaced by G.
Molecular consequence: intron variant.
Genome position (GRCh38, 1-based): chr13:32,371,874, A>G. VCF-style: chr13-32371874-A-G. GRCh37 (hg19) VCF-style: chr13-32946011-A-G.
Other names: IVS 20+774A>G.
Identifiers: ClinVar variation 209945 (VCV000209945.1), dbSNP rs206067, ClinGen allele CA276912.